The following is an entry in ClinVar:

ClinVar aggregate classification (germline): Uncertain significance (1 of 4 stars; one submission).

Conditions:
Vici syndrome (VICIS). Identifiers: Orphanet 1493, MedGen C1855772, MONDO:0009452, OMIM 242840.

gnomAD v4.1: 1 of 1,611,222 alleles (0.000062%); highest among the groups gnomAD compares: Non-Finnish European, 0.000085%; no homozygotes.

Submission:

Next Generation Genetic Polyclinic
Classification: Uncertain significance for Vici syndrome. Last evaluated: 2025-03-21. Review status: criteria provided, single submitter. Criteria: ACMG Guidelines, 2015. Collection method: curation. Allele origin: germline. Affected: yes. Observed: 1 variant allele.
Comment: Novel missense variant in EPG5 gene (c.3892G>C; p.Ala1298Pro), affecting a conserved residue in the WD40-repeat region. In silico prediction tools (SIFT, PolyPhen-2, REVEL) suggest a damaging effect. Variant is absent from population databases (PM2) and not previously reported. Detected in homozygous state. Clinical features may support a diagnosis of Vici syndrome if present. Currently classified as Variant of Uncertain Significance (VUS). Meets ACMG criteria: PM2, PP3.

NM_020964.3(EPG5):c.3892G>C (p.Ala1298Pro)

Gene: EPG5 (ectopic P-granules 5 autophagy tethering factor; minus strand). Cytogenetic location: 18q21.1.
Variant type: single nucleotide variant.
Coding change: c.3892G>C on transcript NM_020964.3 (MANE Select); coding-DNA position 3892, G replaced by C.
Protein change: p.Ala1298Pro; replaces alanine 1298 with proline.
Molecular consequence: missense variant.
Genome position (GRCh38, 1-based): chr18:45,912,381, C>G on the plus strand (G>C on the coding strand, the complement: EPG5 is on the minus strand). VCF-style: chr18-45912381-C-G. GRCh37 (hg19) VCF-style: chr18-43492346-C-G.
Other names: c.3892G>C, p.Ala1298Pro (NM_001410858.1, NM_001410859.1); short protein forms A1298P.
Identifiers: ClinVar variation 4071518 (VCV004071518.1).
Genomic context (GRCh38, chr18:45,912,381, plus strand): 5'-GAAGGAAGAACTTCTGCCAAATGAGTGGCAGGAGGGGGTGATCAGAAGGTGTGACCAGAG[C>G]CTGGTGGGCCCAGCGATAAATCAGCAGCCTCTGGAGGGATGGCACGATGGGGAGCTTCAG-3'
Protein context (NP_066015.2, residues 1288-1308): RLLIYRWAHQ[Ala1298Pro]LVTPSDHPLL